The following is an entry in ClinVar:

NM_016122.3(CEP83):c.653T>C (p.Val218Ala)

Gene: CEP83 (centrosomal protein 83; minus strand). Cytogenetic location: 12q22.
Variant type: single nucleotide variant.
Coding change: c.653T>C on transcript NM_016122.3 (MANE Select); coding-DNA position 653, T replaced by C.
Protein change: p.Val218Ala; replaces valine 218 with alanine.
Molecular consequence: missense variant. On other transcripts: non-coding transcript variant (3).
Genome position (GRCh38, 1-based): chr12:94,378,939, A>G on the plus strand (T>C on the coding strand, the complement: CEP83 is on the minus strand). VCF-style: chr12-94378939-A-G. GRCh37 (hg19) VCF-style: chr12-94772715-A-G.
Other names: c.653T>C, p.Val218Ala (NM_001042399.2, NM_001346457.2, NM_001346460.2 and 3 more transcripts); c.341T>C, p.Val114Ala (NM_001346458.2, NM_001346459.2, NM_001346462.2 and 2 more transcripts); c.428T>C, p.Val143Ala (NM_001368041.1); c.116T>C, p.Val39Ala (NM_001368042.1); short protein forms V39A, V143A, V114A, V218A.
Identifiers: ClinVar variation 855994 (VCV000855994.8), dbSNP rs761638508, ClinGen allele CA6721871.

ClinVar aggregate classification (germline): Uncertain significance (1 of 4 stars; one submission).

Conditions:
Nephronophthisis 18 (NPHP18). Identifiers: Orphanet 655, MedGen C3890591, MONDO:0014374, OMIM 615862.

Allele frequency attached by ClinVar (database versions not stated): ExAC 0.00001; gnomAD 0.00001 and 0.00002; gnomAD exomes 0.00001; TOPMed 0.00002.
gnomAD v4.1: 22 of 1,613,976 alleles (0.0014%); highest among the groups gnomAD compares: Non-Finnish European, 0.0018%; no homozygotes.

Submission:

Labcorp Genetics (formerly Invitae), Labcorp
Classification: Uncertain significance for Nephronophthisis 18. Last evaluated: 2022-11-07. Review status: criteria provided, single submitter. Criteria: Invitae Variant Classification Sherloc (09022015). Collection method: clinical testing. Allele origin: germline.
Comment: This sequence change replaces valine, which is neutral and non-polar, with alanine, which is neutral and non-polar, at codon 218 of the CEP83 protein (p.Val218Ala). This variant is present in population databases (rs761638508, gnomAD 0.004%). This variant has not been reported in the literature in individuals affected with CEP83-related conditions. ClinVar contains an entry for this variant (Variation ID: 855994). Advanced modeling of protein sequence and biophysical properties (such as structural, functional, and spatial information, amino acid conservation, physicochemical variation, residue mobility, and thermodynamic stability) performed at Invitae indicates that this missense variant is not expected to disrupt CEP83 protein function. In summary, the available evidence is currently insufficient to determine the role of this variant in disease. Therefore, it has been classified as a Variant of Uncertain Significance.